The following is an entry in ClinVar:

NM_006361.6(HOXB13):c.850C>T (p.Pro284Ser)

Gene: HOXB13 (homeobox B13; minus strand). Cytogenetic location: 17q21.32.
Variant type: single nucleotide variant.
Coding change: c.850C>T on transcript NM_006361.6 (MANE Select); coding-DNA position 850, C replaced by T.
Protein change: p.Pro284Ser; replaces proline 284 with serine.
Molecular consequence: missense variant.
Genome position (GRCh38, 1-based): chr17:48,726,795, G>A on the plus strand (C>T on the coding strand, the complement: HOXB13 is on the minus strand). VCF-style: chr17-48726795-G-A. GRCh37 (hg19) VCF-style: chr17-46804157-G-A.
Other names: short protein forms P284S.
Identifiers: ClinVar variation 822523 (VCV000822523.13), dbSNP rs1196605977, ClinGen allele CA400105130.

ClinVar aggregate classification (germline): Uncertain significance. Review status: criteria provided, multiple submitters, no conflicts (2 of 4 stars). 4 submissions from 4 submitters: Uncertain significance (4). Last evaluated 2025-06-08.

Conditions:
Hereditary cancer-predisposing syndrome. Also called: Tumor predisposition; Hereditary neoplastic syndrome; Neoplastic Syndromes, Hereditary; Hereditary Cancer Syndrome. Identifiers: Orphanet 140162, MedGen C0027672, MeSH D009386, MONDO:0015356.

Allele frequency attached by ClinVar (database versions not stated): gnomAD exomes below 0.00001; gnomAD 0.00001.
gnomAD v4.1: 2 of 1,613,952 alleles (0.00012%); highest among the groups gnomAD compares: Admixed American, 0.0017%; no homozygotes.

Submissions (4):

Labcorp Genetics (formerly Invitae), Labcorp
Classification: Uncertain significance. Last evaluated: 2025-06-08. Review status: criteria provided, single submitter. Criteria: Invitae Variant Classification Sherloc (09022015). Collection method: clinical testing. Allele origin: germline.
Comment: This sequence change replaces proline, which is neutral and non-polar, with serine, which is neutral and polar, at codon 284 of the HOXB13 protein (p.Pro284Ser). This variant is present in population databases (no rsID available, gnomAD 0.003%). This missense change has been observed in individual(s) with breast cancer (PMID: 32040869). ClinVar contains an entry for this variant (Variation ID: 822523). An algorithm developed to predict the effect of missense changes on protein structure and function (PolyPhen-2) suggests that this variant is likely to be disruptive. In summary, the available evidence is currently insufficient to determine the role of this variant in disease. Therefore, it has been classified as a Variant of Uncertain Significance.

Blueprint Genetics
Classification: Uncertain significance. Last evaluated: 2024-11-07. Review status: criteria provided, single submitter. Criteria: ACMG Guidelines, 2015. Collection method: clinical testing. Allele origin: germline.

Ambry Genetics
Classification: Uncertain significance for Hereditary cancer-predisposing syndrome. Last evaluated: 2024-09-06. Review status: criteria provided, single submitter. Criteria: Ambry Variant Classification Scheme 2023. Collection method: clinical testing. Allele origin: germline.
Comment: The p.P284S variant (also known as c.850C>T), located in coding exon 2 of the HOXB13 gene, results from a C to T substitution at nucleotide position 850. The proline at codon 284 is replaced by serine, an amino acid with similar properties. This amino acid position is not well conserved in available vertebrate species. In addition, the in silico prediction for this alteration is inconclusive. Based on the available evidence, the clinical significance of this variant remains unclear.

Quest Diagnostics Nichols Institute San Juan Capistrano
Classification: Uncertain significance. Last evaluated: 2022-09-30. Review status: criteria provided, single submitter. Criteria: Quest Diagnostics criteria. Collection method: clinical testing. Allele origin: unknown.
Comment: The frequency of this variant in the general population, 0.0000071 (2/282814 chromosomes), is uninformative in assessment of its pathogenicity. In the published literature, the variant has been reported in an individual with breast cancer (PMID: 32040869 (2020)). Analysis of this variant using bioinformatics tools for the prediction of the effect of amino acid changes on protein structure and function yielded predictions that this variant is benign. Based on the available information, we are unable to determine the clinical significance of this variant.

Literature cited by the submitters: PubMed 32040869 (cited by Labcorp Genetics (formerly Invitae), Labcorp and Quest Diagnostics Nichols Institute San Juan Capistrano).